The following is an entry in ClinVar:

ClinVar aggregate classification (germline): Uncertain significance (1 of 4 stars; one submission).

Conditions:
COL4A1-related disorder. Also called: COL4A1-related condition; COL4A1-related disorders. Identifiers: MedGen CN376119, MONDO:0800461.

Submission:

PreventionGenetics, part of Exact Sciences
Classification: Uncertain significance for COL4A1-related condition. Last evaluated: 2024-12-20. Review status: criteria provided, single submitter. Criteria: ACMG Guidelines, 2015. Collection method: clinical testing. Allele origin: germline.
Comment: The COL4A1 c.1629A>C variant is predicted to result in the amino acid substitution p.Lys543Asn. To our knowledge, this variant has not been reported in the literature or in a large population database (gnomAD), indicating this variant is rare. At this time, the clinical significance of this variant is uncertain due to the absence of conclusive functional and genetic evidence.

NM_001845.6(COL4A1):c.1629A>C (p.Lys543Asn)

Gene: COL4A1 (collagen type IV alpha 1 chain; minus strand). Cytogenetic location: 13q34.
Variant type: single nucleotide variant.
Coding change: c.1629A>C on transcript NM_001845.6 (MANE Select); coding-DNA position 1629, A replaced by C.
Protein change: p.Lys543Asn; replaces lysine 543 with asparagine.
Molecular consequence: missense variant.
Genome position (GRCh38, 1-based): chr13:110,187,237, T>G on the plus strand (A>C on the coding strand, the complement: COL4A1 is on the minus strand). VCF-style: chr13-110187237-T-G. GRCh37 (hg19) VCF-style: chr13-110839584-T-G.
Other names: short protein forms K543N.
Identifiers: ClinVar variation 4985993 (VCV004985993.1).